The following is an entry in ClinVar:

ClinVar aggregate classification (germline): Uncertain significance (1 of 4 stars; one submission).

gnomAD v4.1: 10 of 1,595,770 alleles (0.00063%); highest among the groups gnomAD compares: South Asian, 0.011%; 1 homozygote.

Submission:

Labcorp Genetics (formerly Invitae), Labcorp
Classification: Uncertain significance. Last evaluated: 2025-08-24. Review status: criteria provided, single submitter. Criteria: Invitae Variant Classification Sherloc (09022015). Collection method: clinical testing. Allele origin: germline.
Comment: This sequence change falls in intron 5 of the SLC25A32 gene. It does not directly change the encoded amino acid sequence of the SLC25A32 protein. It affects a nucleotide within the consensus splice site. This variant is present in population databases (rs761382803, gnomAD 0.02%). This variant has not been reported in the literature in individuals affected with SLC25A32-related conditions. Variants that disrupt the consensus splice site are a relatively common cause of aberrant splicing (PMID: 17576681, 9536098). Algorithms developed to predict the effect of sequence changes on RNA splicing suggest that this variant is not likely to affect RNA splicing. In summary, the available evidence is currently insufficient to determine the role of this variant in disease. Therefore, it has been classified as a Variant of Uncertain Significance.

Literature cited by the submitters: PubMed 17576681; PubMed 9536098.

NM_030780.5(SLC25A32):c.666+6A>T

Gene: SLC25A32 (solute carrier family 25 member 32; minus strand). Cytogenetic location: 8q22.3.
Variant type: single nucleotide variant.
Coding change: c.666+6A>T on transcript NM_030780.5 (MANE Select); 6 bases into the intron after coding-DNA position 666, A replaced by T.
Molecular consequence: intron variant.
Genome position (GRCh38, 1-based): chr8:103,401,935, T>A on the plus strand (A>T on the coding strand, the complement: SLC25A32 is on the minus strand). VCF-style: chr8-103401935-T-A. GRCh37 (hg19) VCF-style: chr8-104414163-T-A.
Identifiers: ClinVar variation 4770529 (VCV004770529.1).